The following is an entry in ClinVar:

ClinVar aggregate classification (germline): Uncertain significance. Review status: criteria provided, multiple submitters, no conflicts (2 of 4 stars). 2 submissions from 2 submitters: Uncertain significance (2). Last evaluated 2022-06-02.

gnomAD v4.1: 9 of 1,210,437 alleles (0.00074%); highest among the groups gnomAD compares: Non-Finnish European, 0.001%; no homozygotes.

Submissions (2):

Blueprint Genetics
Classification: Uncertain significance. Last evaluated: 2022-06-02. Review status: criteria provided, single submitter. Criteria: ACMG Guidelines, 2015. Collection method: clinical testing. Allele origin: germline.

GeneDx
Classification: Uncertain significance. Last evaluated: 2019-08-21. Review status: criteria provided, single submitter. Criteria: GeneDx Variant Classification Process June 2021. Collection method: clinical testing. Allele origin: germline. Affected: yes.
Comment: Not observed in large population cohorts (Lek et al., 2016); In silico analysis, which includes protein predictors and evolutionary conservation, supports that this variant does not alter protein structure/function; Has not been previously published as pathogenic or benign to our knowledge

NM_000489.6(ATRX):c.6920C>T (p.Pro2307Leu)

Gene: ATRX (ATRX chromatin remodeler; minus strand). Cytogenetic location: Xq21.1.
Variant type: single nucleotide variant.
Coding change: c.6920C>T on transcript NM_000489.6 (MANE Select); coding-DNA position 6920, C replaced by T.
Protein change: p.Pro2307Leu; replaces proline 2307 with leucine.
Molecular consequence: missense variant.
Genome position (GRCh38, 1-based): chrX:77,522,318, G>A on the plus strand (C>T on the coding strand, the complement: ATRX is on the minus strand). VCF-style: chrX-77522318-G-A. GRCh37 (hg19) VCF-style: chrX-76777796-G-A.
Other names: c.6806C>T, p.Pro2269Leu (NM_138270.5); short protein forms P2269L, P2307L.
Identifiers: ClinVar variation 1318876 (VCV001318876.3), dbSNP rs2147749477, ClinGen allele CA413708663.
Genomic context (GRCh38, chrX:77,522,318, plus strand): 5'-CTCACCTCCAGCTGTTGATTACTCATTGCTGACAGGGCTCCCAAATTGAAAGGAATATAA[G>A]GAGTTTGAGAGTTGAAACTGACAGGGGGTAAATTGGTCCCAGTTGGTATGTTGAAACGCA-3'
Protein context (NP_000480.3, residues 2297-2317): LPPVSFNSQT[Pro2307Leu]YIPFNLGALS